The following is an entry in ClinVar:

ClinVar aggregate classification (germline): Pathogenic (1 of 4 stars; one submission).

Conditions:
Wolman disease (WOLD). Also called: Acid cholesteryl ester hydrolase deficiency, Wolman type; Acid lipase disease; Wolman disease, CESD; Wolman disease with hypolipoproteinemia and acanthocytosis; LYSOSOMAL ACID LIPASE DEFICIENCY, ACUTE INFANTILE; LYSOSOMAL ACID LIPASE DEFICIENCY, COMPLETE. Identifiers: Orphanet 75233, MedGen C0043208, MONDO:0019148, OMIM 620151.

Allele frequency attached by ClinVar (database versions not stated): gnomAD exomes below 0.00001; gnomAD 0.00001; TOPMed 0.00001.

Submission:

Labcorp Genetics (formerly Invitae), Labcorp
Classification: Pathogenic for Wolman disease. Last evaluated: 2023-09-03. Review status: criteria provided, single submitter. Criteria: Invitae Variant Classification Sherloc (09022015). Collection method: clinical testing. Allele origin: germline.
Comment: This variant disrupts a region of the LIPA protein in which other variant(s) (p.Asn98Lys) have been determined to be pathogenic (PMID: 25624737, 29196158). This suggests that this is a clinically significant region of the protein, and that variants that disrupt it are likely to be disease-causing. For these reasons, this variant has been classified as Pathogenic. This variant has not been reported in the literature in individuals affected with LIPA-related conditions. This variant is not present in population databases (gnomAD no frequency). This variant, c.293_295del, is a complex sequence change that results in the deletion of 2 and insertion of 1 amino acid(s) in the LIPA protein (p.Asn98_Leu99delinsIle).

Literature cited by the submitters: PubMed 25624737; PubMed 29196158.

NM_000235.4(LIPA):c.293_295del (p.Asn98_Leu99delinsIle)

Gene: LIPA (lipase A, lysosomal acid type; minus strand). Cytogenetic location: 10q23.31.
Variant type: Deletion.
Coding change: c.293_295del on transcript NM_000235.4 (MANE Select); coding-DNA positions 293 to 295, 3 bases deleted (ACC; older notation c.293_295delACC).
Protein change: p.Asn98_Leu99delinsIle.
Molecular consequence: inframe indel. On other transcripts: 5 prime UTR variant (1).
Genome position (GRCh38, 1-based): chr10:89,228,333-89,228,335, GGT deleted on the plus strand (ACC on the coding strand, the reverse complement: LIPA is on the minus strand). VCF-style (leftmost placement, unchanged base first): chr10-89228332-AGGT-A. GRCh37 (hg19) VCF-style: chr10-90988089-AGGT-A.
Other names: c.293_295del, p.Asn98_Leu99delinsIle (NM_001127605.3); c.-56_-54del (NM_001288979.2).
Identifiers: ClinVar variation 2877630 (VCV002877630.3), dbSNP rs1266530895, ClinGen allele CA669689715.
Genomic context (GRCh38, chr10:89,228,332, plus strand): 5'-TTGCCCATCCACACGTCAAAACCAGCATCAGCAAGAATGAAGCCCAGGCTGCTGTTGGCA[AGGT>A]TTGTGACCCAGTTACTAGAATCTGCCAGCAAGCCATGTTGCAGGAAGACAACTGGTTTGG-3'